The following is an entry in ClinVar:

NM_032444.4(SLX4):c.943G>A (p.Val315Met)

Gene: SLX4 (SLX4 structure-specific endonuclease subunit; minus strand). Cytogenetic location: 16p13.3.
Variant type: single nucleotide variant.
Coding change: c.943G>A on transcript NM_032444.4 (MANE Select); coding-DNA position 943, G replaced by A.
Protein change: p.Val315Met; replaces valine 315 with methionine.
Molecular consequence: missense variant.
Genome position (GRCh38, 1-based): chr16:3,602,125, C>T on the plus strand (G>A on the coding strand, the complement: SLX4 is on the minus strand). VCF-style: chr16-3602125-C-T. GRCh37 (hg19) VCF-style: chr16-3652126-C-T.
Other names: short protein forms V315M.
Identifiers: ClinVar variation 2722176 (VCV002722176.3), dbSNP rs774265549, ClinGen allele CA7866706.

ClinVar aggregate classification (germline): Uncertain significance (1 of 4 stars; one submission).

Conditions:
Fanconi anemia (FA). Also called: Fanconi's anemia. Identifiers: Orphanet 84, MedGen C0015625, MeSH D005199, MONDO:0019391.

Allele frequency attached by ClinVar (database versions not stated): TOPMed below 0.00001; ExAC 0.00001; gnomAD exomes 0.00001.
gnomAD v4.1: 12 of 1,614,170 alleles (0.00074%); highest among the groups gnomAD compares: South Asian, 0.013%; no homozygotes.

Submission:

Labcorp Genetics (formerly Invitae), Labcorp
Classification: Uncertain significance for Fanconi anemia. Last evaluated: 2024-01-17. Review status: criteria provided, single submitter. Criteria: Invitae Variant Classification Sherloc (09022015). Collection method: clinical testing. Allele origin: germline.
Comment: This sequence change replaces valine, which is neutral and non-polar, with methionine, which is neutral and non-polar, at codon 315 of the SLX4 protein (p.Val315Met). This variant is present in population databases (rs774265549, gnomAD 0.003%). This missense change has been observed in individual(s) with clinical features of SLX4-related conditions (PMID: 32368696). Algorithms developed to predict the effect of missense changes on protein structure and function output the following: SIFT: "Not Available"; PolyPhen-2: "Probably Damaging"; Align-GVGD: "Not Available". The methionine amino acid residue is found in multiple mammalian species, which suggests that this missense change does not adversely affect protein function. In summary, the available evidence is currently insufficient to determine the role of this variant in disease. Therefore, it has been classified as a Variant of Uncertain Significance.

Literature cited by the submitters: PubMed 32368696.